The following is an entry in ClinVar:

ClinVar aggregate classification (germline): Likely benign (0 of 4 stars; one submission).

Conditions:
PRKDC-related disorder. Also called: PRKDC-related condition.

Allele frequency attached by ClinVar (database versions not stated): gnomAD exomes 0.00001.

Submission:

PreventionGenetics, part of Exact Sciences
Classification: Likely benign for PRKDC-related condition. Last evaluated: 2023-06-16. Review status: no assertion criteria provided. Collection method: clinical testing. Allele origin: germline.
Comment: This variant is classified as likely benign based on ACMG/AMP sequence variant interpretation guidelines (Richards et al. 2015 PMID: 25741868, with internal and published modifications).

NM_006904.7(PRKDC):c.10123G>A (p.Ala3375Thr)

Gene: PRKDC (protein kinase, DNA-activated, catalytic subunit; minus strand). Cytogenetic location: 8q11.21.
Variant type: single nucleotide variant.
Coding change: c.10123G>A on transcript NM_006904.7 (MANE Select); coding-DNA position 10123, G replaced by A.
Protein change: p.Ala3375Thr; replaces alanine 3375 with threonine.
Molecular consequence: missense variant.
Genome position (GRCh38, 1-based): chr8:47,799,384, C>T on the plus strand (G>A on the coding strand, the complement: PRKDC is on the minus strand). VCF-style: chr8-47799384-C-T. GRCh37 (hg19) VCF-style: chr8-48711945-C-T.
Other names: c.10123G>A, p.Ala3375Thr (NM_001081640.2); short protein forms A3375T.
Identifiers: ClinVar variation 3036065 (VCV003036065.2), dbSNP rs2551862739, ClinGen allele CA371135512.